The following is an entry in ClinVar:

ClinVar aggregate classification (germline): Uncertain significance. Review status: criteria provided, multiple submitters, no conflicts (2 of 4 stars). 2 submissions from 2 submitters: Uncertain significance (2). Last evaluated 2025-03-17.

Allele frequency attached by ClinVar (database versions not stated): gnomAD 0.00003; TOPMed 0.00003; 1000 Genomes Project 30x 0.00016; 1000 Genomes Project 0.00020.
gnomAD v4.1: 46 of 1,607,956 alleles (0.0029%); highest among the groups gnomAD compares: Middle Eastern, 0.017%; no homozygotes.

Submissions (2):

Labcorp Genetics (formerly Invitae), Labcorp
Classification: Uncertain significance. Last evaluated: 2025-03-17. Review status: criteria provided, single submitter. Criteria: Invitae Variant Classification Sherloc (09022015). Collection method: clinical testing. Allele origin: germline.
Comment: This sequence change replaces arginine, which is basic and polar, with histidine, which is basic and polar, at codon 1673 of the DSCAML1 protein (p.Arg1673His). This variant is present in population databases (rs555398879, gnomAD 0.006%). This variant has not been reported in the literature in individuals affected with DSCAML1-related conditions. ClinVar contains an entry for this variant (Variation ID: 2177499). An algorithm developed to predict the effect of missense changes on protein structure and function (PolyPhen-2) suggests that this variant is likely to be disruptive. In summary, the available evidence is currently insufficient to determine the role of this variant in disease. Therefore, it has been classified as a Variant of Uncertain Significance.

Ambry Genetics
Classification: Uncertain significance. Last evaluated: 2023-04-18. Review status: criteria provided, single submitter. Criteria: Ambry Variant Classification Scheme 2023. Collection method: clinical testing. Allele origin: germline.

NM_020693.4(DSCAML1):c.4838G>A (p.Arg1613His)

Gene: DSCAML1 (DS cell adhesion molecule like 1; minus strand). Cytogenetic location: 11q23.3.
Variant type: single nucleotide variant.
Coding change: c.4838G>A on transcript NM_020693.4 (MANE Select); coding-DNA position 4838, G replaced by A.
Protein change: p.Arg1613His; replaces arginine 1613 with histidine.
Molecular consequence: missense variant.
Genome position (GRCh38, 1-based): chr11:117,435,682, C>T on the plus strand (G>A on the coding strand, the complement: DSCAML1 is on the minus strand). VCF-style: chr11-117435682-C-T. GRCh37 (hg19) VCF-style: chr11-117306398-C-T.
Other names: c.5018G>A (NM_020693.2); short protein forms R1613H.
Identifiers: ClinVar variation 2177499 (VCV002177499.6), dbSNP rs555398879, ClinGen allele CA6296254.